The following is an entry in ClinVar:

ClinVar aggregate classification (germline): Uncertain significance. Review status: criteria provided, multiple submitters, no conflicts (2 of 4 stars). 2 submissions from 2 submitters: Uncertain significance (2). Last evaluated 2024-04-23.

Conditions:
Beckwith-Wiedemann syndrome (BWS). Also called: EMG SYNDROME; Exomphalos macroglossia gigantism syndrome. Identifiers: Orphanet 116, MedGen C0004903, MONDO:0007534, OMIM 130650.

gnomAD v4.1: 8 of 1,469,062 alleles (0.00054%); highest among the groups gnomAD compares: Non-Finnish European, 0.00071%; no homozygotes.

Submissions (2):

Labcorp Genetics (formerly Invitae), Labcorp
Classification: Uncertain significance for Beckwith-Wiedemann syndrome. Last evaluated: 2024-04-23. Review status: criteria provided, single submitter. Criteria: Invitae Variant Classification Sherloc (09022015). Collection method: clinical testing. Allele origin: germline.
Comment: This sequence change replaces alanine, which is neutral and non-polar, with serine, which is neutral and polar, at codon 123 of the CDKN1C protein (p.Ala123Ser). This variant is not present in population databases (gnomAD no frequency). This variant has not been reported in the literature in individuals affected with CDKN1C-related conditions. ClinVar contains an entry for this variant (Variation ID: 642609). Advanced modeling of protein sequence and biophysical properties (such as structural, functional, and spatial information, amino acid conservation, physicochemical variation, residue mobility, and thermodynamic stability) performed at Invitae indicates that this missense variant is not expected to disrupt CDKN1C protein function with a negative predictive value of 80%. In summary, the available evidence is currently insufficient to determine the role of this variant in disease. Therefore, it has been classified as a Variant of Uncertain Significance.

Sema4
Classification: Uncertain significance for Beckwith-Wiedemann syndrome. Last evaluated: 2021-05-30. Review status: criteria provided, single submitter. Criteria: Sema4 Curation Guidelines. Collection method: curation. Allele origin: germline.
Comment: The CDKN1C c.367G>T (p.A123S) variant has not been reported in the literature to our knowledge. It was not observed in the large and broad cohorts of the Genome Aggregation Database (PMID: 32461654) but has been reported in ClinVar (Variation ID 642609). In silico tools suggest the impact of the variant on protein function is inconclusive, though these predictions have not been confirmed by functional studies. The evidence is insufficient to meet ACMG/AMP criteria for classifying the variant as benign or pathogenic. Thus, the clinical significance of this variant is currently uncertain.

NM_001122630.2(CDKN1C):c.334G>T (p.Ala112Ser)

Gene: CDKN1C (cyclin dependent kinase inhibitor 1C; minus strand). Cytogenetic location: 11p15.4.
Variant type: single nucleotide variant.
Coding change: c.334G>T on transcript NM_001122630.2 (MANE Select); coding-DNA position 334, G replaced by T.
Protein change: p.Ala112Ser; replaces alanine 112 with serine.
Molecular consequence: missense variant. On other transcripts: intron variant (1).
Genome position (GRCh38, 1-based): chr11:2,885,123, C>A on the plus strand (G>T on the coding strand, the complement: CDKN1C is on the minus strand). VCF-style: chr11-2885123-C-A. GRCh37 (hg19) VCF-style: chr11-2906353-C-A.
Other names: c.367G>T, p.Ala123Ser (LRG_533t1, NM_000076.2, NM_001362474.2); c.334G>T, p.Ala112Ser (NM_001122631.2); c.255+79G>T (NM_001362475.2); short protein forms A123S, A112S.
Identifiers: ClinVar variation 642609 (VCV000642609.7), dbSNP rs1395949690, ClinGen allele CA379146846.